The following is an entry in ClinVar:

ClinVar aggregate classification (germline): Uncertain significance (1 of 4 stars; one submission).

gnomAD v4.1: 5 of 1,611,666 alleles (0.00031%); highest among the groups gnomAD compares: African/African-American, 0.0027%; no homozygotes.

Submission:

Labcorp Genetics (formerly Invitae), Labcorp
Classification: Uncertain significance. Last evaluated: 2025-02-19. Review status: criteria provided, single submitter. Criteria: Invitae Variant Classification Sherloc (09022015). Collection method: clinical testing. Allele origin: germline.
Comment: This sequence change replaces aspartic acid, which is acidic and polar, with asparagine, which is neutral and polar, at codon 922 of the DCHS1 protein (p.Asp922Asn). The frequency data for this variant in the population databases is considered unreliable, as metrics indicate poor data quality at this position in the gnomAD database. This variant has not been reported in the literature in individuals affected with DCHS1-related conditions. Invitae Evidence Modeling of protein sequence and biophysical properties (such as structural, functional, and spatial information, amino acid conservation, physicochemical variation, residue mobility, and thermodynamic stability) has been performed for this missense variant. However, the output from this modeling did not meet the statistical confidence thresholds required to predict the impact of this variant on DCHS1 protein function. In summary, the available evidence is currently insufficient to determine the role of this variant in disease. Therefore, it has been classified as a Variant of Uncertain Significance.

NM_003737.4(DCHS1):c.2764G>A (p.Asp922Asn)

Gene: DCHS1 (dachsous cadherin-related 1; minus strand). Cytogenetic location: 11p15.4.
Variant type: single nucleotide variant.
Coding change: c.2764G>A on transcript NM_003737.4 (MANE Select); coding-DNA position 2764, G replaced by A.
Protein change: p.Asp922Asn; replaces aspartic acid 922 with asparagine.
Molecular consequence: missense variant.
Genome position (GRCh38, 1-based): chr11:6,632,748, C>T on the plus strand (G>A on the coding strand, the complement: DCHS1 is on the minus strand). VCF-style: chr11-6632748-C-T. GRCh37 (hg19) VCF-style: chr11-6653979-C-T.
Other names: short protein forms D922N.
Identifiers: ClinVar variation 4740684 (VCV004740684.1).